The following is an entry in ClinVar:

ClinVar aggregate classification (germline): Uncertain significance (1 of 4 stars; one submission).

Conditions:
Atrial septal defect 5 (ASD5). Identifiers: Orphanet 1478, MedGen C2748552, MONDO:0013011, OMIM 612794.
Hypertrophic cardiomyopathy 11. Also called: ACTC1-Related Familial Hypertrophic Cardiomyopathy. Identifiers: MedGen C2677506, MONDO:0012799, OMIM 612098.
Dilated cardiomyopathy 1R (CMD1R). Identifiers: Orphanet 154, Orphanet 54260, MedGen C3150681, MONDO:0013261, OMIM 613424.

Submission:

Labcorp Genetics (formerly Invitae), Labcorp
Classification: Uncertain significance for Dilated cardiomyopathy 1R; Hypertrophic cardiomyopathy 11; Atrial septal defect 5. Last evaluated: 2021-02-21. Review status: criteria provided, single submitter. Criteria: Invitae Variant Classification Sherloc (09022015). Collection method: clinical testing. Allele origin: germline.
Comment: Algorithms developed to predict the effect of missense changes on protein structure and function are either unavailable or do not agree on the potential impact of this missense change (SIFT: "Deleterious"; PolyPhen-2: "Benign"; Align-GVGD: "Class C25"). In summary, the available evidence is currently insufficient to determine the role of this variant in disease. Therefore, it has been classified as a Variant of Uncertain Significance. This variant has not been reported in the literature in individuals with ACTC1-related conditions. This variant is not present in population databases (ExAC no frequency). This sequence change replaces leucine with valine at codon 322 of the ACTC1 protein (p.Leu322Val). The leucine residue is highly conserved and there is a small physicochemical difference between leucine and valine.

NM_005159.5(ACTC1):c.964C>G (p.Leu322Val)

Genes: ACTC1 (actin alpha cardiac muscle 1; minus strand), GJD2-DT (GJD2 divergent transcript; plus strand). Cytogenetic location: 15q14.
Variant type: single nucleotide variant.
Coding change: c.964C>G on transcript NM_005159.5 (MANE Select); coding-DNA position 964, C replaced by G.
Protein change: p.Leu322Val; replaces leucine 322 with valine.
Molecular consequence: missense variant.
Genome position (GRCh38, 1-based): chr15:34,791,140, G>C on the plus strand (C>G on the coding strand, the complement: ACTC1 is on the minus strand). VCF-style: chr15-34791140-G-C. GRCh37 (hg19) VCF-style: chr15-35083341-G-C.
Other names: short protein forms L322V.
Identifiers: ClinVar variation 1512610 (VCV001512610.8), dbSNP rs1891695577, ClinGen allele CA391629326.